The following is an entry in ClinVar:

ClinVar aggregate classification (germline): Likely pathogenic (1 of 4 stars; one submission).

Conditions:
Familial dysautonomia. Also called: HSAN III; FD. Identifiers: Orphanet 1764, MedGen C0013364, MONDO:0009131, OMIM 223900. Disease mechanism: loss of function.

Submission:

Natera, Inc.
Classification: Likely pathogenic for Familial dysautonomia. Last evaluated: 2024-03-23. Review status: criteria provided, single submitter. Criteria: Natera Variant Classification Schema (03/2026). Collection method: clinical testing. Allele origin: germline.
Comment: The c.2439dupG variant in ELP1 is a frameshift variant predicted to shift the reading frame beginning at codon 814 and leads to a stop codon 2 codons downstream. This variant is expected to result in nonsense mediated decay, truncation, or a dysfunctional protein product. This variant is rare in the general population with a frequency below the threshold expected for the associated phenotype(s). Given the available evidence, this variant is classified as Likely Pathogenic.

NM_003640.5(ELP1):c.2439dup (p.Asn814fs)

Gene: ELP1 (elongator acetyltransferase complex subunit 1; minus strand). Cytogenetic location: 9q31.3.
Variant type: Duplication.
Coding change: c.2439dup on transcript NM_003640.5 (MANE Select); coding-DNA position 2439, one base duplicated (G; older notation c.2439dupG).
Protein change: p.Asn814fs; shifts the reading frame from asparagine 814.
Molecular consequence: frameshift variant.
Genome position (GRCh38, 1-based): chr9:108,897,210, C duplicated on the plus strand (G on the coding strand, the reverse complement: ELP1 is on the minus strand); the first of 3 consecutive C bases (chr9:108,897,210-108,897,212); duplicating any one gives the same sequence. VCF-style (leftmost placement, unchanged base first): chr9-108897209-T-TC. GRCh37 (hg19) VCF-style: chr9-111659489-T-TC.
Other names: c.2097dup, p.Asn700fs (NM_001318360.2); c.1392dup, p.Asn465fs (NM_001330749.2); short protein forms N465fs, N700fs, N814fs.
Identifiers: ClinVar variation 4815196 (VCV004815196.1).